The following is an entry in ClinVar:

NM_000530.8(MPZ):c.308G>A (p.Gly103Glu)

Gene: MPZ (myelin protein zero; minus strand). Cytogenetic location: 1q23.3.
Variant type: single nucleotide variant.
Coding change: c.308G>A on transcript NM_000530.8 (MANE Select); coding-DNA position 308, G replaced by A.
Protein change: p.Gly103Glu; replaces glycine 103 with glutamic acid.
Molecular consequence: missense variant.
Genome position (GRCh38, 1-based): chr1:161,306,848, C>T on the plus strand (G>A on the coding strand, the complement: MPZ is on the minus strand). VCF-style: chr1-161306848-C-T. GRCh37 (hg19) VCF-style: chr1-161276638-C-T.
Other names: G74E; c.308G>A, p.Gly103Glu (NM_001315491.2, LRG_256t1); short protein forms G103E.
Identifiers: ClinVar variation 14187 (VCV000014187.12), dbSNP rs121913600, ClinGen allele CA257164.

ClinVar aggregate classification (germline): Conflicting classifications of pathogenicity. Review status: criteria provided, conflicting classifications (1 of 4 stars). 4 submissions from 4 submitters: Pathogenic (2); Uncertain significance (1). 1 of the submissions does not count toward it. Last evaluated 2024-11-16.

Conditions:
Inborn genetic diseases. Identifiers: MedGen C0950123, MeSH D030342.
Charcot-Marie-Tooth disease, type I (CMT1). Also called: Charcot-Marie-Tooth disease type 1; Charcot-Marie-Tooth, Type 1. Identifiers: Orphanet 65753, MedGen C0751036, MONDO:0019011.
Charcot-Marie-Tooth disease type 1B. Also called: Charcot-Marie-Tooth disease, demyelinating, type 1b; Hereditary motor and sensory neuropathy 1B; Charcot-Marie-Tooth disease, type IB; HEREDITARY MOTOR AND SENSORY NEUROPATHY I; HEREDITARY MOTOR AND SENSORY NEUROPATHY IB; CHARCOT-MARIE-TOOTH DISEASE, AUTOSOMAL DOMINANT, WITH FOCALLY FOLDED MYELIN SHEATHS, TYPE 1B. Identifiers: Orphanet 101082, MedGen C0270912, MONDO:0007307, OMIM 118200.

Submissions (4):

Labcorp Genetics (formerly Invitae), Labcorp
Classification: Pathogenic for Charcot-Marie-Tooth disease, type I. Last evaluated: 2024-11-16. Review status: criteria provided, single submitter. Criteria: Invitae Variant Classification Sherloc (09022015). Collection method: clinical testing. Allele origin: germline.
Comment: This sequence change replaces glycine, which is neutral and non-polar, with glutamic acid, which is acidic and polar, at codon 103 of the MPZ protein (p.Gly103Glu). This variant is not present in population databases (gnomAD no frequency). This missense change has been observed in individual(s) with Charcot-Marie-Tooth disease (PMID: 11445635; internal data). In at least one individual the variant was observed to be de novo. Invitae Evidence Modeling of clinical and family history, age, sex, and reported ancestry of multiple individuals with this MPZ variant has been performed. This variant is expected to be pathogenic with a positive predictive value of at least 99%. This is a validated machine learning model that incorporates the clinical features of 11,906 individuals referred to our laboratory for MPZ testing. ClinVar contains an entry for this variant (Variation ID: 14187). Invitae Evidence Modeling of protein sequence and biophysical properties (such as structural, functional, and spatial information, amino acid conservation, physicochemical variation, residue mobility, and thermodynamic stability) indicates that this missense variant is expected to disrupt MPZ protein function with a positive predictive value of 80%. Experimental studies have shown that this missense change affects MPZ function (PMID: 29687021). This variant disrupts the p.Gly103 amino acid residue in MPZ. Other variant(s) that disrupt this residue have been observed in individuals with MPZ-related conditions (PMID: 20456450), which suggests that this may be a clinically significant amino acid residue. For these reasons, this variant has been classified as Pathogenic.

GeneDx
Classification: Pathogenic. Last evaluated: 2022-01-04. Review status: criteria provided, single submitter. Criteria: GeneDx Variant Classification Process June 2021. Collection method: clinical testing. Allele origin: germline. Affected: yes.
Comment: Reported previously in two sisters with severe CMT1 neuropathy; this variant was inherited from a mother who was mosaic for the G103E variant (Fabrizi et al., 2001); Published functional studies demonstrate that the unfolded protein response (UPR) and endoplasmic reticulum (ER) retention was significantly increased in the G103E variant when compared to wild type (Bai et al., 2018); Not observed at significant frequency in large population cohorts (gnomAD); Missense variants in this gene are often considered pathogenic (HGMD); In silico analysis supports that this missense variant has a deleterious effect on protein structure/function; This variant is associated with the following publications: (PMID: 26310628, 20461396, 20456450, 28063088, 11445635, 29687021, 30076350, 24077912, 28902413)

Ambry Genetics
Classification: Uncertain significance for Inborn genetic diseases. Last evaluated: 2021-10-08. Review status: criteria provided, single submitter. Criteria: Ambry Variant Classification Scheme 2023. Collection method: clinical testing. Allele origin: germline.
Comment: The p.G103E variant (also known as c.308G>A), located in coding exon 3 of the MPZ gene, results from a G to A substitution at nucleotide position 308. The glycine at codon 103 is replaced by glutamic acid, an amino acid with similar properties. This variant was detected in two siblings with Charcot-Marie-Tooth disease type 1 (CMT1), whose mother was also mosaic for the variant (Fabrizi GM et al. Neurology, 2001 Jul;57:101-5). This variant was also detected in an individual with Charcot-Marie-Tooth disease, type 1B (CMT1B); however, clinical details were limited (Sanmaneechai O et al. Brain, 2015 Nov;138:3180-92). Functional studies revealed this alteration led to abnormal accumulation in the ER and activation of the UPR (Bai Y et al. Ann Clin Transl Neurol, 2018 Apr;5:445-455). This amino acid position is highly conserved in available vertebrate species. In addition, this alteration is predicted to be deleterious by in silico analysis.

OMIM
Classification: Pathogenic for CHARCOT-MARIE-TOOTH DISEASE, TYPE 1B. Last evaluated: 2001-07-10. Review status: no assertion criteria provided. Collection method: literature only. Allele origin: unknown. Not counted in ClinVar's aggregate classification.

Literature cited by the submitters: PubMed 11445635 (cited by 3 submitters); PubMed 29687021 (cited by Labcorp Genetics (formerly Invitae), Labcorp and Ambry Genetics); PubMed 20456450 (cited by Labcorp Genetics (formerly Invitae), Labcorp); PubMed 26310628 (cited by Ambry Genetics).